The following is an entry in ClinVar:

NM_024120.5(NDUFAF5):c.327+215A>G

Gene: NDUFAF5 (NADH:ubiquinone oxidoreductase complex assembly factor 5; plus strand). Cytogenetic location: 20p12.1.
Variant type: single nucleotide variant.
Coding change: c.327+215A>G on transcript NM_024120.5 (MANE Select); 215 bases into the intron after coding-DNA position 327, A replaced by G.
Molecular consequence: intron variant.
Genome position (GRCh38, 1-based): chr20:13,788,867, A>G. VCF-style: chr20-13788867-A-G. GRCh37 (hg19) VCF-style: chr20-13769513-A-G.
Other names: c.-235+215A>G (NM_001352407.2); c.-255+215A>G (NM_001352406.2); c.327+215A>G (NM_001039375.3, NM_001352408.2); c.-41+215A>G (NM_001352403.2).
Identifiers: ClinVar variation 673658 (VCV000673658.1), dbSNP rs144381878, ClinGen allele CA311377774.

ClinVar aggregate classification (germline): Likely benign (1 of 4 stars; one submission).

Allele frequency attached by ClinVar (database versions not stated): gnomAD 0.00444 and 0.00467; TOPMed 0.00512; 1000 Genomes Project 0.00659; 1000 Genomes Project 30x 0.00718.
gnomAD v4.1: 668 of 151,844 alleles (0.44%); highest among the groups gnomAD compares: African/African-American, 1.5%; 3 homozygotes.

Submission:

GeneDx
Classification: Likely benign. Last evaluated: 2018-06-16. Review status: criteria provided, single submitter. Criteria: GeneDx Variant Classification (06012015). Collection method: clinical testing. Allele origin: germline. Affected: yes.
Comment: This variant is considered likely benign or benign based on one or more of the following criteria: it is a conservative change, it occurs at a poorly conserved position in the protein, it is predicted to be benign by multiple in silico algorithms, and/or has population frequency not consistent with disease.